The following is an entry in ClinVar:

ClinVar aggregate classification (germline): Uncertain significance. Review status: criteria provided, multiple submitters, no conflicts (2 of 4 stars). 2 submissions from 2 submitters: Uncertain significance (2). Last evaluated 2023-02-03.

Conditions:
Charcot-Marie-Tooth disease type 2E (CMT2E). Also called: CHARCOT-MARIE-TOOTH DISEASE, AXONAL, TYPE 2E; CHARCOT-MARIE-TOOTH NEUROPATHY, TYPE 2E. Identifiers: Orphanet 99939, MedGen C1843225, MONDO:0011894, OMIM 607684.
Inborn genetic diseases. Identifiers: MedGen C0950123, MeSH D030342.

Submissions (2):

Labcorp Genetics (formerly Invitae), Labcorp
Classification: Uncertain significance for Charcot-Marie-Tooth disease type 2E. Last evaluated: 2023-02-03. Review status: criteria provided, single submitter. Criteria: Invitae Variant Classification Sherloc (09022015). Collection method: clinical testing. Allele origin: germline.
Comment: In summary, the available evidence is currently insufficient to determine the role of this variant in disease. Therefore, it has been classified as a Variant of Uncertain Significance. Advanced modeling of protein sequence and biophysical properties (such as structural, functional, and spatial information, amino acid conservation, physicochemical variation, residue mobility, and thermodynamic stability) performed at Invitae indicates that this missense variant is expected to disrupt NEFL protein function. ClinVar contains an entry for this variant (Variation ID: 1798618). This missense change has been observed in individuals with clinical features of autosomal dominant Charcot-Marie-Tooth disease (PMID: 26392352; Invitae). This variant is not present in population databases (gnomAD no frequency). This sequence change replaces arginine, which is basic and polar, with proline, which is neutral and non-polar, at codon 100 of the NEFL protein (p.Arg100Pro).

Ambry Genetics
Classification: Uncertain significance for Inborn genetic diseases. Last evaluated: 2021-11-22. Review status: criteria provided, single submitter. Criteria: Ambry Variant Classification Scheme 2023. Collection method: clinical testing. Allele origin: germline.
Comment: The p.R100P variant (also known as c.299G>C), located in coding exon 1 of the NEFL gene, results from a G to C substitution at nucleotide position 299. The arginine at codon 100 is replaced by proline, an amino acid with dissimilar properties. This alteration was detected in an individual with a reported phenotype of Charcot-Marie-Tooth disease type 2; however, clinical details were limited (Antoniadi T et al. BMC Med Genet, 2015 Sep;16:84). This amino acid position is highly conserved in available vertebrate species. In addition, this alteration is predicted to be deleterious by in silico analysis. Since supporting evidence is limited at this time, the clinical significance of this alteration remains unclear.

Literature cited by the submitters: PubMed 26392352 (cited by Labcorp Genetics (formerly Invitae), Labcorp and Ambry Genetics).

NM_006158.5(NEFL):c.299G>C (p.Arg100Pro)

Gene: NEFL (neurofilament light chain; minus strand). Cytogenetic location: 8p21.2.
Variant type: single nucleotide variant.
Coding change: c.299G>C on transcript NM_006158.5 (MANE Select); coding-DNA position 299, G replaced by C.
Protein change: p.Arg100Pro; replaces arginine 100 with proline.
Molecular consequence: missense variant.
Genome position (GRCh38, 1-based): chr8:24,956,217, C>G on the plus strand (G>C on the coding strand, the complement: NEFL is on the minus strand). VCF-style: chr8-24956217-C-G. GRCh37 (hg19) VCF-style: chr8-24813731-C-G.
Other names: short protein forms R100P.
Identifiers: ClinVar variation 1798618 (VCV001798618.5), dbSNP rs2486887859, ClinGen allele CA370622874.